The following is an entry in ClinVar:

NM_002439.5(MSH3):c.1201G>A (p.Val401Met)

Gene: MSH3 (mutS homolog 3; plus strand). Cytogenetic location: 5q14.1.
Variant type: single nucleotide variant.
Coding change: c.1201G>A on transcript NM_002439.5 (MANE Select); coding-DNA position 1201, G replaced by A.
Protein change: p.Val401Met; replaces valine 401 with methionine.
Molecular consequence: missense variant.
Genome position (GRCh38, 1-based): chr5:80,678,954, G>A. VCF-style: chr5-80678954-G-A. GRCh37 (hg19) VCF-style: chr5-79974773-G-A.
Other names: short protein forms V401M.
Identifiers: ClinVar variation 2752900 (VCV002752900.3), dbSNP rs1580556427, ClinGen allele CA360268866.
Genomic context (GRCh38, chr5:80,678,954, plus strand): 5'-TTTCTGTAACATTATATTTGTATTTGTTTTTAGGGAGTGCAGCCTGCCACAGGCGAGGTT[G>A]TGTTTGATAGTTTCCAGGACTCTGCTTCTCGTTCAGAGCTAGAAACCCGGATGTCAAGCC-3'
Protein context (NP_002430.3, residues 391-411): VGVQPATGEV[Val401Met]FDSFQDSASR

ClinVar aggregate classification (germline): Uncertain significance (1 of 4 stars; one submission).

Submission:

Labcorp Genetics (formerly Invitae), Labcorp
Classification: Uncertain significance. Last evaluated: 2023-05-31. Review status: criteria provided, single submitter. Criteria: Invitae Variant Classification Sherloc (09022015). Collection method: clinical testing. Allele origin: germline.
Comment: This sequence change replaces valine, which is neutral and non-polar, with methionine, which is neutral and non-polar, at codon 401 of the MSH3 protein (p.Val401Met). This variant is not present in population databases (gnomAD no frequency). In summary, the available evidence is currently insufficient to determine the role of this variant in disease. Therefore, it has been classified as a Variant of Uncertain Significance. An algorithm developed to predict the effect of missense changes on protein structure and function (PolyPhen-2) suggests that this variant is likely to be disruptive. This variant has not been reported in the literature in individuals affected with MSH3-related conditions.